The following is an entry in ClinVar:

ClinVar aggregate classification (germline): Likely benign. Review status: criteria provided, multiple submitters, no conflicts (2 of 4 stars). 4 submissions from 4 submitters: Likely benign (4). Last evaluated 2026-01-02.

Conditions:
Juvenile polyposis syndrome (JPS). Identifiers: Orphanet 2929, MedGen C0345893, MONDO:0017380, OMIM 174900.
Hereditary cancer-predisposing syndrome. Also called: Hereditary neoplastic syndrome; Tumor predisposition; Neoplastic Syndromes, Hereditary; Hereditary Cancer Syndrome. Identifiers: Orphanet 140162, MedGen C0027672, MeSH D009386, MONDO:0015356.

Allele frequency attached by ClinVar (database versions not stated): TOPMed 0.00006; ESP Exome Variant Server 0.00015.
gnomAD v4.1: 36 of 1,611,062 alleles (0.0022%); highest among the groups gnomAD compares: Non-Finnish European, 0.0028%; no homozygotes.

Submissions (4):

Labcorp Genetics (formerly Invitae), Labcorp
Classification: Likely benign for Juvenile polyposis syndrome. Last evaluated: 2026-01-02. Review status: criteria provided, single submitter. Criteria: Invitae Variant Classification Sherloc (09022015). Collection method: clinical testing. Allele origin: germline.

ARUP Laboratories, Molecular Genetics and Genomics, ARUP Laboratories
Classification: Likely benign. Last evaluated: 2023-04-07. Review status: criteria provided, single submitter. Criteria: ARUP Molecular Germline Variant Investigation Process 2024. Collection method: clinical testing. Allele origin: germline.

GeneDx
Classification: Likely benign. Last evaluated: 2017-04-26. Review status: criteria provided, single submitter. Criteria: GeneDx Variant Classification (06012015). Collection method: clinical testing. Allele origin: germline. Affected: yes.
Comment: This variant is considered likely benign or benign based on one or more of the following criteria: it is a conservative change, it occurs at a poorly conserved position in the protein, it is predicted to be benign by multiple in silico algorithms, and/or has population frequency not consistent with disease.

Color Diagnostics, LLC DBA Color Health
Classification: Likely benign for Hereditary cancer-predisposing syndrome. Last evaluated: 2016-06-30. Review status: criteria provided, single submitter. Criteria: ACMG Guidelines, 2015. Collection method: clinical testing. Allele origin: germline.

NM_005359.6(SMAD4):c.787+15T>G

Gene: SMAD4 (SMAD family member 4; plus strand). Cytogenetic location: 18q21.2.
Variant type: single nucleotide variant.
Coding change: c.787+15T>G on transcript NM_005359.6 (MANE Select); 15 bases into the intron after coding-DNA position 787, T replaced by G.
Molecular consequence: intron variant.
Genome position (GRCh38, 1-based): chr18:51,058,259, T>G. VCF-style: chr18-51058259-T-G. GRCh37 (hg19) VCF-style: chr18-48584629-T-G.
Identifiers: ClinVar variation 378626 (VCV000378626.12), dbSNP rs374687785, ClinGen allele CA8965900.